The following is an entry in ClinVar:

NM_003859.3(DPM1):c.20G>A (p.Ser7Asn)

Genes: DPM1 (dolichyl-phosphate mannosyltransferase subunit 1, catalytic; minus strand), LOC130066166 (ATAC-STARR-seq lymphoblastoid active region 18108; plus strand). Cytogenetic location: 20q13.13.
Variant type: single nucleotide variant.
Coding change: c.20G>A on transcript NM_003859.3 (MANE Select); coding-DNA position 20, G replaced by A.
Protein change: p.Ser7Asn; replaces serine 7 with asparagine.
Molecular consequence: missense variant. On other transcripts: non-coding transcript variant (1).
Genome position (GRCh38, 1-based): chr20:50,958,504, C>T on the plus strand (G>A on the coding strand, the complement: DPM1 is on the minus strand). VCF-style: chr20-50958504-C-T. GRCh37 (hg19) VCF-style: chr20-49575041-C-T.
Other names: p.Ser7Asn; c.20G>A, p.Ser7Asn (NM_001317034.1, NM_001317035.1, NM_001317036.1); c.20G>A (NM_003859.2); short protein forms S7N.
Identifiers: ClinVar variation 533134 (VCV000533134.7), dbSNP rs776145598, ClinGen allele CA9909273.
Genomic context (GRCh38, chr20:50,958,504, plus strand): 5'-TATTTGTTCTGTCGTGGACTGCGCACTTCCAGCTCCCGCCGAGACCTGCGAGGACTACGA[C>T]TGACTTCCAAGGAGGCCATGGCGGAACTGAGCCAGATGCCGGAAGCGGAATTACGTAATG-3'
Protein context (NP_003850.1, residues 1-17): MASLEV[Ser7Asn]RSPRRSRREL

ClinVar aggregate classification (germline): Uncertain significance. Review status: criteria provided, multiple submitters, no conflicts (2 of 4 stars). 4 submissions from 4 submitters: Uncertain significance (4). Last evaluated 2025-02-06.

Conditions:
Congenital disorder of glycosylation type 1E (CDG1E). Also called: CONGENITAL DISORDER OF GLYCOSYLATION, TYPE Ie; CDG Ie. Identifiers: Orphanet 79322, MedGen C1837396, MONDO:0012123, OMIM 608799.
Inborn genetic diseases. Identifiers: MedGen C0950123, MeSH D030342.

Allele frequency attached by ClinVar (database versions not stated): TOPMed 0.00006; gnomAD 0.00007 and 0.00008.

Submissions (4):

ARUP Laboratories, Molecular Genetics and Genomics, ARUP Laboratories
Classification: Uncertain significance for Congenital disorder of glycosylation type 1E. Last evaluated: 2025-02-06. Review status: criteria provided, single submitter. Criteria: ARUP Molecular Germline Variant Investigation Process 2024. Collection method: clinical testing. Allele origin: germline.

Mayo Clinic Laboratories, Mayo Clinic
Classification: Uncertain significance. Last evaluated: 2023-04-18. Review status: criteria provided, single submitter. Criteria: ACMG Guidelines, 2015. Collection method: clinical testing. Allele origin: germline. Observed: 1 variant allele.
Comment: BP4, PM2

Labcorp Genetics (formerly Invitae), Labcorp
Classification: Uncertain significance for Congenital disorder of glycosylation type 1E. Last evaluated: 2022-08-09. Review status: criteria provided, single submitter. Criteria: Invitae Variant Classification Sherloc (09022015). Collection method: clinical testing. Allele origin: germline.
Comment: This sequence change replaces serine, which is neutral and polar, with asparagine, which is neutral and polar, at codon 7 of the DPM1 protein (p.Ser7Asn). This variant is present in population databases (rs776145598, gnomAD 0.009%). This variant has not been reported in the literature in individuals affected with DPM1-related conditions. ClinVar contains an entry for this variant (Variation ID: 533134). Algorithms developed to predict the effect of missense changes on protein structure and function output the following: SIFT: "Deleterious"; PolyPhen-2: "Benign"; Align-GVGD: "Class C0". The asparagine amino acid residue is found in multiple mammalian species, which suggests that this missense change does not adversely affect protein function. In summary, the available evidence is currently insufficient to determine the role of this variant in disease. Therefore, it has been classified as a Variant of Uncertain Significance.

Ambry Genetics
Classification: Uncertain significance for Inborn genetic diseases. Last evaluated: 2021-09-17. Review status: criteria provided, single submitter. Criteria: Ambry Variant Classification Scheme 2023. Collection method: clinical testing. Allele origin: germline.